The following is an entry in ClinVar:

ClinVar aggregate classification (germline): Pathogenic. Review status: criteria provided, multiple submitters, no conflicts (2 of 4 stars). 2 submissions from 2 submitters: Pathogenic (2). Last evaluated 2021-04-27.

Conditions:
Nemaline myopathy 8 (NEM8). Also called: Nemaline myopathy 8, autosomal recessive. Identifiers: Orphanet 171430, MedGen C3809209, MONDO:0014138, OMIM 615348.

Submissions (2):

HudsonAlpha Institute for Biotechnology
Classification: Pathogenic for Nemaline myopathy 8. Last evaluated: 2021-04-27. Review status: criteria provided, single submitter. Criteria: ACMG Guidelines, 2015. Collection method: research. Allele origin: inherited. Affected: yes. Observed: 1 homozygote. Study: CSER-SouthSeq.
Comment: ACMG codes:PVS1; PS4; PM2

Labcorp Genetics (formerly Invitae), Labcorp
Classification: Pathogenic for Nemaline myopathy 8. Last evaluated: 2021-04-20. Review status: criteria provided, single submitter. Criteria: Invitae Variant Classification Sherloc (09022015). Collection method: clinical testing. Allele origin: germline.
Comment: This variant is not present in population databases (ExAC no frequency). This sequence change affects an acceptor splice site in intron 4 of the KLHL40 gene. It is expected to disrupt RNA splicing. Variants that disrupt the donor or acceptor splice site typically lead to a loss of protein function (PMID: 16199547), and loss-of-function variants in KLHL40 are known to be pathogenic (PMID: 23746549). This variant has been observed in individual(s) with clinical features of congenital myopathy (PMID: 23746549, Invitae). For these reasons, this variant has been classified as Pathogenic. Algorithms developed to predict the effect of sequence changes on RNA splicing suggest that this variant may disrupt the consensus splice site, but this prediction has not been confirmed by published transcriptional studies.

Literature cited by the submitters: PubMed 16199547 (cited by Labcorp Genetics (formerly Invitae), Labcorp); PubMed 23746549 (cited by Labcorp Genetics (formerly Invitae), Labcorp).

NM_152393.4(KLHL40):c.1608-1G>A

Gene: KLHL40 (kelch like family member 40; plus strand). Cytogenetic location: 3p22.1.
Variant type: single nucleotide variant.
Coding change: c.1608-1G>A on transcript NM_152393.4 (MANE Select); the canonical splice acceptor site of the intron before coding-DNA position 1608, G replaced by A.
Molecular consequence: splice acceptor variant.
Genome position (GRCh38, 1-based): chr3:42,690,858, G>A. VCF-style: chr3-42690858-G-A. GRCh37 (hg19) VCF-style: chr3-42732350-G-A.
Identifiers: ClinVar variation 1172562 (VCV001172562.9), dbSNP rs2125846068, ClinGen allele CA352295088.